The following is an entry in ClinVar:

NM_139058.3(ARX):c.433_465del (p.Ala145_Ala155del)

Genes: ARX (aristaless related homeobox; minus strand), LOC109610631 (aristaless related homeobox polyalanine expansion region; plus strand). Cytogenetic location: Xp21.3.
Variant type: Deletion.
Coding change: c.433_465del on transcript NM_139058.3 (MANE Select); coding-DNA positions 433 to 465, 33 bases deleted.
Protein change: p.Ala145_Ala155del.
Molecular consequence: inframe deletion.
Genome position (GRCh38, 1-based): chrX:25,013,530-25,013,562, 33 bases deleted; deleting any 33 consecutive bases within chrX:25,013,530-25,013,566 gives the same sequence; the c. name uses the placement nearest the transcript's 3' end. GRCh37 (hg19): chrX:25,031,651-25,031,683.
Identifiers: ClinVar variation 1046214 (VCV001046214.6), dbSNP rs1251374008, ClinGen allele CA641364634.
Genomic context (GRCh38, chrX:25,013,529, plus strand): 5'-GGTACGACTTGCTGCGGCTGATGCTCACCTGCGGCGCCTGGCTGATCTTGAGCGTGTCCC[AGGCCGCGGCGGCCGCGGCCGCGGCTGCCGCGGC>A]GGCCCCTGCGCCGTCCGGCCGTTCCCCGGGCCGCGCGGTTGGCGGTGGCGGCGGAGGGGC-3'

ClinVar aggregate classification (germline): Uncertain significance (1 of 4 stars; one submission).

Conditions:
Intellectual disability, X-linked, with or without seizures, ARX-related. Also called: MENTAL RETARDATION, X-LINKED 29; MENTAL RETARDATION, X-LINKED 32; MENTAL RETARDATION, X-LINKED 33; MENTAL RETARDATION, X-LINKED 38; MENTAL RETARDATION, X-LINKED 43; MENTAL RETARDATION, X-LINKED 76. Identifiers: Orphanet 777, MedGen C0796244, MONDO:0010317, OMIM 300419.
Developmental and epileptic encephalopathy, 1 (DEE1). Also called: X-linked infantile spasms; West's syndrome; Tonic spasms with clustering, arrest of psychomotor development and hypsarrhythmia on EEG; X-Linked Infantile Spasm Syndrome; OHTAHARA SYNDROME, X-LINKED; Epileptic encephalopathy, early infantile, 1. Identifiers: MedGen C3463992, MONDO:0010632, OMIM 308350. Disease mechanism: loss of function.

Submission:

Labcorp Genetics (formerly Invitae), Labcorp
Classification: Uncertain significance for Developmental and epileptic encephalopathy, 1; Intellectual disability, X-linked, with or without seizures, ARX-related. Last evaluated: 2022-02-08. Review status: criteria provided, single submitter. Criteria: Invitae Variant Classification Sherloc (09022015). Collection method: clinical testing. Allele origin: germline.
Comment: This variant, c.433_465del, results in the deletion of 11 amino acid(s) of the ARX protein (p.Ala145_Ala155del), but otherwise preserves the integrity of the reading frame. This variant is present in population databases (no rsID available, gnomAD 0.01%), including at least one homozygous and/or hemizygous individual. This variant has not been reported in the literature in individuals affected with ARX-related conditions. ClinVar contains an entry for this variant (Variation ID: 1046214). Experimental studies and prediction algorithms are not available or were not evaluated, and the functional significance of this variant is currently unknown. In summary, the available evidence is currently insufficient to determine the role of this variant in disease. Therefore, it has been classified as a Variant of Uncertain Significance.